The following is an entry in ClinVar:

NM_001007527.2(LMBRD2):c.598TTG[2] (p.Leu202del)

Gene: LMBRD2 (LMBR1 domain containing 2; minus strand). Cytogenetic location: 5p13.2.
Variant type: Microsatellite.
Coding change: c.598TTG[2] on transcript NM_001007527.2 (MANE Select); two copies in a row of the 3-base unit TTG starting at c.598; the reference has three copies in a row; one copy, 3 bases deleted; also written c.604_606del.
Protein change: p.Leu202del; deletes leucine 202.
Molecular consequence: inframe deletion.
Genome position (GRCh38, 1-based): chr5:36,136,450-36,136,452, CAA deleted on the plus strand (TTG on the coding strand, the reverse complement: LMBRD2 is on the minus strand); deleting any 3 consecutive bases within chr5:36,136,450-36,136,460 gives the same sequence; the position shown is the placement nearest the transcript's 3' end. VCF-style (leftmost placement, unchanged base first): chr5-36136449-CCAA-C. GRCh37 (hg19) VCF-style: chr5-36136551-CCAA-C.
Other names: c.604_606del (NM_001007527.2); short protein forms L202del.
Identifiers: ClinVar variation 3367033 (VCV003367033.1).
Genomic context (GRCh38, chr5:36,136,449, plus strand): 5'-GTAGATAACCCCTTTTTGCTCCATTCCAGTATGATCGAGGAATTTCCACCAAGCCATACC[CCAA>C]CAACAACACAAGAAGAAACAGACCCCATGTATTTGCAGCAGCTATCCCAATTGTCTGAAG-3'

ClinVar aggregate classification (germline): Uncertain significance (1 of 4 stars; one submission).

Conditions:
Developmental delay with variable neurologic and brain abnormalities (MLHNS). Also called: MALHOTRA NEURODEVELOPMENTAL SYNDROME. Identifiers: MedGen C5562060, MONDO:0859218, OMIM 619694.

Submission:

Neuberg Centre For Genomic Medicine, NCGM
Classification: Uncertain significance for Developmental delay with variable neurologic and brain abnormalities. Last evaluated: 2023-05-20. Review status: criteria provided, single submitter. Criteria: ACMG Guidelines, 2015. Collection method: clinical testing. Allele origin: germline. Inheritance: Autosomal dominant inheritance. Affected: yes.
Comment: The observed missense variant c.604_606del(p.Leu202del) in LMBRD2 gene has not been reported previously as a pathogenicvariant nor as a benign variant, to our knowledge. The c.604_606del variant is absent in gnomAD Exomes. This p.Leu202del causesdeletion of amino acid Leucine at position 202. For these reasons, this variant has been classified as Uncertain Significance.